The following is an entry in ClinVar:

ClinVar aggregate classification (germline): Uncertain significance (1 of 4 stars; one submission).

Conditions:
Jeune thoracic dystrophy. Also called: Jeune syndrome; Short-rib thoracic dysplasia; Infantile thoracic dystrophy; Thoracic pelvic phalangeal dystrophy; Jeune's syndrome; Chondroectodermal dysplasia-like syndrome. Identifiers: Orphanet 474, MedGen C0265275, MONDO:0018770.

gnomAD v4.1: 12 of 1,567,258 alleles (0.00077%); highest among the groups gnomAD compares: Non-Finnish European, 0.001%; no homozygotes.

Submission:

Labcorp Genetics (formerly Invitae), Labcorp
Classification: Uncertain significance for Jeune thoracic dystrophy. Last evaluated: 2014-12-18. Review status: criteria provided, single submitter. Criteria: Invitae Variant Classification Sherloc (09022015). Collection method: clinical testing. Allele origin: germline.
Comment: In summary, this is a novel missense change with uncertain impact on protein function. It has been classified as a Variant of Uncertain Significance. Algorithms developed to predict the effect of missense changes on protein structure and function (SIFT, PolyPhen-2, Align-GVGD) all suggest that this sequence change is likely to be disruptive, but these predictions have not been confirmed by published functional studies. This sequence change has not been published in the literature and is not present in population databases. This sequence change replaces proline with alanine at codon 3420 of the DYNC2H1 protein (p.Pro3420Ala). The proline residue is highly conserved and there is a small physicochemical difference between proline and alanine.

NM_001377.3(DYNC2H1):c.10237C>G (p.Pro3413Ala)

Gene: DYNC2H1 (dynein cytoplasmic 2 heavy chain 1; plus strand). Cytogenetic location: 11q22.3.
Variant type: single nucleotide variant.
Coding change: c.10237C>G on transcript NM_001377.3 (MANE Select); coding-DNA position 10237, C replaced by G.
Protein change: p.Pro3413Ala; replaces proline 3413 with alanine.
Molecular consequence: missense variant.
Genome position (GRCh38, 1-based): chr11:103,255,445, C>G. VCF-style: chr11-103255445-C-G. GRCh37 (hg19) VCF-style: chr11-103126174-C-G.
Other names: c.10258C>G, p.Pro3420Ala (NM_001080463.2); short protein forms P3420A, P3413A.
Identifiers: ClinVar variation 188335 (VCV000188335.8), dbSNP rs786204223, ClinGen allele CA334643.